The following is an entry in ClinVar:

NM_014795.4(ZEB2):c.3094del (p.Cys1032fs)

Gene: ZEB2 (zinc finger E-box binding homeobox 2; minus strand). Cytogenetic location: 2q22.3.
Variant type: Deletion.
Coding change: c.3094del on transcript NM_014795.4 (MANE Select); coding-DNA position 3094, one base deleted (T; older notation c.3094delT).
Protein change: p.Cys1032fs; shifts the reading frame from cysteine 1032.
Molecular consequence: frameshift variant.
Genome position (GRCh38, 1-based): chr2:144,390,002, A deleted on the plus strand (T on the coding strand, the reverse complement: ZEB2 is on the minus strand); the first of 3 consecutive A bases (chr2:144,390,002-144,390,004); deleting any one gives the same sequence. VCF-style (leftmost placement, unchanged base first): chr2-144390001-CA-C. GRCh37 (hg19) VCF-style: chr2-145147568-CA-C.
Other names: c.3022del, p.Cys1008fs (NM_001171653.2); short protein forms C1008fs, C1032fs.
Identifiers: ClinVar variation 1071821 (VCV001071821.9), dbSNP rs2149872716, ClinGen allele CA2499214967.

ClinVar aggregate classification (germline): Pathogenic (1 of 4 stars; one submission).

Conditions:
Mowat-Wilson syndrome (MOWS). Also called: Classic Mowat-Wilson Syndrome. Identifiers: Orphanet 2152, MedGen C1856113, MONDO:0009341, OMIM 235730.

Submission:

Labcorp Genetics (formerly Invitae), Labcorp
Classification: Pathogenic for Mowat-Wilson syndrome. Last evaluated: 2022-02-03. Review status: criteria provided, single submitter. Criteria: Invitae Variant Classification Sherloc (09022015). Collection method: clinical testing. Allele origin: germline.
Comment: This variant disrupts a region of the ZEB2 protein in which other variant(s) (p.Met1190Profs*52) have been determined to be pathogenic (PMID: 11891681). This suggests that this is a clinically significant region of the protein, and that variants that disrupt it are likely to be disease-causing. For these reasons, this variant has been classified as Pathogenic. Algorithms developed to predict the effect of sequence changes on RNA splicing suggest that this variant may create or strengthen a splice site. ClinVar contains an entry for this variant (Variation ID: 1071821). This variant has not been reported in the literature in individuals affected with ZEB2-related conditions. This variant is not present in population databases (gnomAD no frequency). This sequence change creates a premature translational stop signal (p.Cys1032Valfs*43) in the ZEB2 gene. While this is not anticipated to result in nonsense mediated decay, it is expected to disrupt the last 183 amino acid(s) of the ZEB2 protein.

Literature cited by the submitters: PubMed 11891681.